The following is an entry in ClinVar:

ClinVar aggregate classification (germline): Likely pathogenic (1 of 4 stars; one submission).

Conditions:
Combined oxidative phosphorylation defect type 8. Also called: CARDIOMYOPATHY, HYPERTROPHIC MITOCHONDRIAL, FATAL INFANTILE. Identifiers: Orphanet 319504, MedGen C4518839, MONDO:0013570, OMIM 614096.

Submission:

Centre for Mendelian Genomics, University Medical Centre Ljubljana
Classification: Likely pathogenic for Combined oxidative phosphorylation defect type 8. Last evaluated: 2019-08-17. Review status: criteria provided, single submitter. Criteria: ACMG Guidelines, 2015. Collection method: clinical testing. Allele origin: unknown. Affected: yes.
Comment: This variant was classified as: Likely pathogenic. The following ACMG criteria were applied in classifying this variant: PVS1,PM2.

NM_020745.4(AARS2):c.459G>A (p.Trp153Ter)

Gene: AARS2 (alanyl-tRNA synthetase 2, mitochondrial; minus strand). Cytogenetic location: 6p21.1.
Variant type: single nucleotide variant.
Coding change: c.459G>A on transcript NM_020745.4 (MANE Select); coding-DNA position 459, G replaced by A.
Protein change: p.Trp153Ter; replaces tryptophan 153 with a stop codon.
Molecular consequence: nonsense.
Genome position (GRCh38, 1-based): chr6:44,311,512, C>T on the plus strand (G>A on the coding strand, the complement: AARS2 is on the minus strand). VCF-style: chr6-44311512-C-T. GRCh37 (hg19) VCF-style: chr6-44279249-C-T.
Other names: short protein forms W153*.
Identifiers: ClinVar variation 931136 (VCV000931136.3), dbSNP rs1786349461, ClinGen allele CA364341388.